The following is an entry in ClinVar:

NM_020207.7(ERCC6L2):c.1140G>C (p.Leu380Phe)

Gene: ERCC6L2 (ERCC excision repair 6 like 2; plus strand). Cytogenetic location: 9q22.32.
Variant type: single nucleotide variant.
Coding change: c.1140G>C on transcript NM_020207.7 (MANE Select); coding-DNA position 1140, G replaced by C.
Protein change: p.Leu380Phe; replaces leucine 380 with phenylalanine.
Molecular consequence: missense variant. On other transcripts: non-coding transcript variant (1).
Genome position (GRCh38, 1-based): chr9:95,916,416, G>C. VCF-style: chr9-95916416-G-C. GRCh37 (hg19) VCF-style: chr9-98678698-G-C.
Other names: c.1173G>C (NM_020207.4); c.1140G>C, p.Leu380Phe (NM_001010895.4, NM_001375291.1, NM_001375292.1 and 2 more transcripts); short protein forms L380F.
Identifiers: ClinVar variation 791303 (VCV000791303.15), dbSNP rs150328847, ClinGen allele CA5139463.
Genomic context (GRCh38, chr9:95,916,416, plus strand): 5'-TGCCAAAAAGATGTCTGGCTGGTTTCTCAGGCGCACCAAGACTCTTATCAAGGATCAGTT[G>C]CCTAAGAAGGAAGACCGGGTAAGAACCGCATTTGTATATATTATTAATTTGTGGTCATAT-3'
Protein context (NP_064592.3, residues 370-390): RRTKTLIKDQ[Leu380Phe]PKKEDRMVYC

ClinVar aggregate classification (germline): Conflicting classifications of pathogenicity. Review status: criteria provided, conflicting classifications (1 of 4 stars). 5 submissions from 5 submitters: Uncertain significance (2); Benign (1). 2 of the submissions do not count toward it. Last evaluated 2026-09-11.

Conditions:
Inborn genetic diseases. Identifiers: MedGen C0950123, MeSH D030342.
ERCC6L2-related disorder. Also called: ERCC6L2-related condition.

Allele frequency attached by ClinVar (database versions not stated): gnomAD exomes 0.00016 and 0.00050; ExAC 0.00064; 1000 Genomes Project 30x 0.00109; 1000 Genomes Project 0.00120; ESP Exome Variant Server 0.00154; gnomAD 0.00172 and 0.00186; TOPMed 0.00196.
gnomAD v4.1: 504 of 1,568,704 alleles (0.032%); highest among the groups gnomAD compares: African/African-American, 0.6%; no homozygotes.

Submissions (5):

Ambry Genetics
Classification: Uncertain significance for Inborn genetic diseases. Last evaluated: 2026-09-11. Review status: criteria provided, single submitter. Criteria: Ambry Variant Classification Scheme 2023. Collection method: clinical testing. Allele origin: germline.

Labcorp Genetics (formerly Invitae), Labcorp
Classification: Benign. Last evaluated: 2026-02-01. Review status: criteria provided, single submitter. Criteria: Invitae Variant Classification Sherloc (09022015). Collection method: clinical testing. Allele origin: germline.

Blueprint Genetics
Classification: Uncertain significance. Last evaluated: 2024-11-01. Review status: criteria provided, single submitter. Criteria: ACMG Guidelines, 2015. Collection method: clinical testing. Allele origin: germline.

Genetic Services Laboratory, University of Chicago
Classification: Uncertain significance. Last evaluated: 2022-09-08. Review status: no assertion criteria provided. Collection method: clinical testing. Allele origin: germline. Affected: no. Not counted in ClinVar's aggregate classification.
Comment: DNA sequence analysis of the ERCC6L2 gene demonstrated a sequence change, c.1173G>C, in exon 6 that results in an amino acid change, p.Leu391Phe. This sequence change does not appear to have been previously described in individuals with ERCC6L2-related disorders. This sequence change has been described in the gnomAD database with a frequency of 0.62% in the African subpopulation (dbSNP rs150328847). The p.Leu391Phe change affects a highly conserved amino acid residue located in a domain of the ERCC6L2 protein that is not known to be functional. In-silico pathogenicity prediction tools (SIFT, PolyPhen2, Align GVGD, REVEL) provide contradictory results for the p.Leu391Phe substitution. Due to insufficient evidences and the lack of functional studies, the clinical significance of the p.Leu391Phe change remains unknown at this time. Biallelic pathogenic variants in ERCC6L2 are associated with bone marrow failure syndrome, an autosomal recessive disorder characterized by trilineage bone marrow failure, learning disabilities, and microcephaly [OMIM#: 615715].

PreventionGenetics, part of Exact Sciences
Classification: Likely benign for ERCC6L2-related condition. Last evaluated: 2020-11-24. Review status: no assertion criteria provided. Collection method: clinical testing. Allele origin: germline. Not counted in ClinVar's aggregate classification.
Comment: This variant is classified as likely benign based on ACMG/AMP sequence variant interpretation guidelines (Richards et al. 2015 PMID: 25741868, with internal and published modifications).